The following is an entry in ClinVar:

ClinVar aggregate classification (germline): Uncertain significance. Review status: criteria provided, multiple submitters, no conflicts (2 of 4 stars). 2 submissions from 2 submitters: Uncertain significance (2). Last evaluated 2024-06-28.

Conditions:
Nemaline myopathy 2 (NEM2). Also called: Nemaline myopathy 2, autosomal recessive. Identifiers: MedGen C1850569, MONDO:0009725, OMIM 256030.

Submissions (2):

Revvity Omics, Revvity
Classification: Uncertain significance. Last evaluated: 2024-06-28. Review status: criteria provided, single submitter. Criteria: ACMG Guidelines, 2015. Collection method: clinical testing. Allele origin: germline.

Labcorp Genetics (formerly Invitae), Labcorp
Classification: Uncertain significance for Nemaline myopathy 2. Last evaluated: 2023-08-10. Review status: criteria provided, single submitter. Criteria: Invitae Variant Classification Sherloc (09022015). Collection method: clinical testing. Allele origin: germline.
Comment: This variant has not been reported in the literature in individuals affected with NEB-related conditions. The frequency data for this variant in the population databases is considered unreliable, as metrics indicate poor data quality at this position in the gnomAD database. This sequence change replaces cysteine, which is neutral and slightly polar, with histidine, which is basic and polar, at codon 3042 of the NEB protein (p.Cys3042His). ClinVar contains an entry for this variant (Variation ID: 1005462). In summary, the available evidence is currently insufficient to determine the role of this variant in disease. Therefore, it has been classified as a Variant of Uncertain Significance. Experimental studies and prediction algorithms are not available or were not evaluated, and the functional significance of this variant is currently unknown.

NM_001164508.2(NEB):c.9124_9125inv (p.Cys3042His)

Gene: NEB (nebulin; minus strand). Cytogenetic location: 2q23.3.
Variant type: Inversion.
Coding change: c.9124_9125inv on transcript NM_001164508.2 (MANE Select).
Protein change: p.Cys3042His; replaces cysteine 3042 with histidine.
Molecular consequence: missense variant. On other transcripts: intron variant (1).
Genome position: GRCh38 VCF-style: chr2-151633943-CA-TG. GRCh37 (hg19) VCF-style: chr2-152490457-CA-TG.
Other names: c.9124_9125delinsCA (NM_001271208.2); c.9124_9125inv, p.Cys3042His (NM_001164507.2, NM_001271208.2); c.8854-2766_8854-2765inv (NM_004543.5); short protein forms C3042H.
Identifiers: ClinVar variation 1005462 (VCV001005462.5), ClinGen allele CA2499215103.